The following is an entry in ClinVar:

ClinVar aggregate classification (germline): Pathogenic. Review status: criteria provided, multiple submitters, no conflicts (2 of 4 stars). 9 submissions from 9 submitters: Pathogenic (7). 2 of the submissions do not count toward it. Last evaluated 2024-12-13.

Conditions:
CBS-related disorder. Also called: CBS-related condition.
Homocystinuria. Identifiers: MedGen C0019880, MONDO:0004737, HP:0002156.
Classic homocystinuria. Also called: Homocystinuria due to Cystathionine Beta-Synthase Deficiency; HOMOCYSTINURIA WITH OR WITHOUT RESPONSE TO PYRIDOXINE; Homocystinuria due to CBS deficiency; Cystathionine beta-synthase deficiency; CBS deficiency. Identifiers: Orphanet 394, MedGen C0751202, MONDO:0009352, OMIM 236200.
HYPERHOMOCYSTEINEMIA, THROMBOTIC, CBS-RELATED. Identifiers: MedGen C3150344, OMIM 236200.

Submissions (9):

Natera, Inc.
Classification: Pathogenic for Homocystinuria due to cystathionine beta-synthase deficiency. Last evaluated: 2024-12-13. Review status: criteria provided, single submitter. Criteria: Natera Variant Classification Schema (03/2026). Collection method: clinical testing. Allele origin: germline.
Comment: The c.19dupC variant in CBS is a frameshift variant predicted to shift the reading frame beginning at codon 7 and leads to a stop codon 30 codons downstream. This variant is expected to result in nonsense mediated decay, truncation, or a dysfunctional protein product. This variant is rare in the general population with a frequency below the threshold expected for the associated phenotype(s). This variant has been observed in one or more individuals affected with the associated recessive disease, as either homozygous or compound heterozygous with a second variant (PMID: 12124992). Additionally, this variant has been observed to segregate in affected family members (PMID: 12124992). Given the available evidence, this variant is classified as Pathogenic.

Baylor Genetics
Classification: Pathogenic for Classic homocystinuria. Last evaluated: 2024-03-15. Review status: criteria provided, single submitter. Criteria: ACMG Guidelines, 2015. Collection method: clinical testing. Allele origin: unknown.

Labcorp Genetics (formerly Invitae), Labcorp
Classification: Pathogenic for HYPERHOMOCYSTEINEMIA, THROMBOTIC, CBS-RELATED. Last evaluated: 2024-01-04. Review status: criteria provided, single submitter. Criteria: Invitae Variant Classification Sherloc (09022015). Collection method: clinical testing. Allele origin: germline.
Comment: This sequence change creates a premature translational stop signal (p.Gln7Profs*30) in the CBS gene. It is expected to result in an absent or disrupted protein product. Loss-of-function variants in CBS are known to be pathogenic (PMID: 10338090, 12124992). The frequency data for this variant in the population databases is considered unreliable, as metrics indicate poor data quality at this position in the gnomAD database. This premature translational stop signal has been observed in individuals with CBS deficiency (PMID: 10338090, 12124992). ClinVar contains an entry for this variant (Variation ID: 371345). For these reasons, this variant has been classified as Pathogenic.

GeneDx
Classification: Pathogenic. Last evaluated: 2022-05-31. Review status: criteria provided, single submitter. Criteria: GeneDx Variant Classification Process June 2021. Collection method: clinical testing. Allele origin: germline. Affected: yes.
Comment: Frameshift variant predicted to result in protein truncation or nonsense mediated decay in a gene for which loss of function is a known mechanism of disease; Not observed at significant frequency in large population cohorts (gnomAD); This variant is associated with the following publications: (PMID: 10338090, 31589614, 25218699)

Fulgent Genetics
Classification: Pathogenic for Classic homocystinuria. Last evaluated: 2021-11-05. Review status: criteria provided, single submitter. Criteria: ACMG Guidelines, 2015. Collection method: clinical testing. Allele origin: unknown.

Genetics and Molecular Pathology, SA Pathology
Classification: Pathogenic for Classic homocystinuria. Last evaluated: 2021-11-05. Review status: criteria provided, single submitter. Criteria: ACMG Guidelines, 2015. Collection method: clinical testing. Allele origin: germline. Inheritance: Autosomal recessive inheritance. Affected: yes.

Women's Health and Genetics/Laboratory Corporation of America, LabCorp
Classification: Pathogenic for Homocystinuria. Last evaluated: 2019-04-26. Review status: criteria provided, single submitter. Criteria: LabCorp Variant Classification Summary - May 2015. Collection method: clinical testing. Allele origin: germline.
Comment: Variant summary: CBS c.19dupC (p.Gln7ProfsX30) results in a premature termination codon, predicted to cause a truncation of the encoded protein or absence of the protein due to nonsense mediated decay, which are commonly known mechanisms for disease. The variant allele was found at a frequency of 4.1e-06 in 243178 control chromosomes (gnomAD). c.19dupC has been reported in the literature in multiple homozygote and compound heterozygote individuals affected with Homocystinuria (Alcaide_2015, Gaustadnes_2002). These data indicate that the variant is very likely to be associated with disease. A compound heterozygote affected individual was found to have <10% CBS activity (Alcaide_2015). Three ClinVar submisions from clinical diagnostic laboratories (evaluation after 2014) cite the variant as pathogenic. Based on the evidence outlined above, the variant was classified as pathogenic.

PreventionGenetics, part of Exact Sciences
Classification: Pathogenic for CBS-related condition. Last evaluated: 2024-07-01. Review status: no assertion criteria provided. Collection method: clinical testing. Allele origin: germline. Not counted in ClinVar's aggregate classification.
Comment: The CBS c.19dupC variant is predicted to result in a frameshift and premature protein termination (p.Gln7Profs*30). This variant has been reported in both the homozygous and compound heterozygous states in multiple individuals with homocystinuria (referred to as 19insC in Kraus et al. 1999. PubMed ID: 10338090; Gaustadnes et al. 2002. PubMed ID: 12124992; Janosík et al. 2001. PubMed ID: 11359213; Alcaide et al. 2014. PubMed ID: 25218699). This variant is reported in 0.0055% of alleles in individuals of East Asian descent in gnomAD. Frameshift variants in CBS are expected to be pathogenic. This variant is interpreted as pathogenic.

Counsyl
Classification: Pathogenic for Classic homocystinuria. Last evaluated: 2016-09-02. Review status: no assertion criteria provided. Collection method: clinical testing. Allele origin: unknown. Not counted in ClinVar's aggregate classification.

Literature cited by the submitters: PubMed 12124992 (cited by 4 submitters); PubMed 10338090 (cited by Labcorp Genetics (formerly Invitae), Labcorp); PubMed 25218699 (cited by Women's Health and Genetics/Laboratory Corporation of America, LabCorp and Counsyl); PubMed 11359213 (cited by Counsyl).

NM_000071.3(CBS):c.19dup (p.Gln7fs)

Gene: CBS (cystathionine beta-synthase; minus strand). Cytogenetic location: 21q22.3.
Variant type: Duplication.
Coding change: c.19dup on transcript NM_000071.3 (MANE Select); coding-DNA position 19, one base duplicated (C; older notation c.19dupC).
Protein change: p.Gln7fs; shifts the reading frame from glutamine 7.
Molecular consequence: frameshift variant.
Genome position (GRCh38, 1-based): chr21:43,072,175, G duplicated on the plus strand (C on the coding strand, the reverse complement: CBS is on the minus strand); the first of 6 consecutive G bases (chr21:43,072,175-43,072,180); duplicating any one gives the same sequence. VCF-style (leftmost placement, unchanged base first): chr21-43072174-T-TG. GRCh37 (hg19) VCF-style: chr21-44492284-T-TG.
Other names: c.19dupC (NM_000071.2, NM_000071.3); c.19dup, p.Gln7fs (NM_001178008.3, NM_001178009.3, NM_001320298.2); short protein forms Q7fs.
Identifiers: ClinVar variation 371345 (VCV000371345.23), dbSNP rs748695461, ClinGen allele CA16042010.